The following is an entry in ClinVar:

ClinVar aggregate classification (germline): Likely pathogenic (1 of 4 stars; one submission).

Conditions:
PCNT-related disorder. Also called: PCNT-related condition.

Submission:

PreventionGenetics, part of Exact Sciences
Classification: Likely pathogenic for PCNT-related condition. Last evaluated: 2025-03-27. Review status: criteria provided, single submitter. Criteria: ACMG Guidelines, 2015. Collection method: clinical testing. Allele origin: germline.
Comment: The PCNT c.2584delC variant is predicted to result in a frameshift and premature protein termination (p.Leu862Cysfs*3). To our knowledge, this variant has not been reported in the literature or in a large population database (gnomAD), indicating this variant is rare. Frameshift variants in PCNT are expected to be pathogenic. This variant is interpreted as likely pathogenic.

NM_006031.6(PCNT):c.2584del (p.Leu862fs)

Gene: PCNT (pericentrin; plus strand). Cytogenetic location: 21q22.3.
Variant type: Deletion.
Coding change: c.2584del on transcript NM_006031.6 (MANE Select); coding-DNA position 2584, one base deleted (C; older notation c.2584delC).
Protein change: p.Leu862fs; shifts the reading frame from leucine 862.
Molecular consequence: frameshift variant.
Genome position (GRCh38, 1-based): chr21:46,363,909, C deleted; the last of 3 consecutive C bases (chr21:46,363,907-46,363,909); deleting any one gives the same sequence. VCF-style (leftmost placement, unchanged base first): chr21-46363906-GC-G. GRCh37 (hg19) VCF-style: chr21-47783821-GC-G.
Other names: c.2230del, p.Leu744fs (NM_001315529.2); short protein forms L862fs, L744fs.
Identifiers: ClinVar variation 4999818 (VCV004999818.1).